The following is an entry in ClinVar:

ClinVar aggregate classification (germline): Uncertain significance (1 of 4 stars; one submission).

Conditions:
Progressive familial heart block type IB (PFHB1B). Identifiers: Orphanet 871, MedGen C1970298, MONDO:0011474, OMIM 604559.

gnomAD v4.1: 1 of 1,598,220 alleles (0.000063%); highest among the groups gnomAD compares: Admixed American, 0.0018%; no homozygotes.

Submission:

Labcorp Genetics (formerly Invitae), Labcorp
Classification: Uncertain significance for Progressive familial heart block type IB. Last evaluated: 2025-03-13. Review status: criteria provided, single submitter. Criteria: Invitae Variant Classification Sherloc (09022015). Collection method: clinical testing. Allele origin: germline.
Comment: This sequence change replaces serine, which is neutral and polar, with phenylalanine, which is neutral and non-polar, at codon 1196 of the TRPM4 protein (p.Ser1196Phe). This variant is not present in population databases (gnomAD no frequency). This variant has not been reported in the literature in individuals affected with TRPM4-related conditions. An algorithm developed to predict the effect of missense changes on protein structure and function (PolyPhen-2) suggests that this variant is likely to be disruptive. In summary, the available evidence is currently insufficient to determine the role of this variant in disease. Therefore, it has been classified as a Variant of Uncertain Significance.

NM_017636.4(TRPM4):c.3587C>T (p.Ser1196Phe)

Gene: TRPM4 (transient receptor potential cation channel subfamily M member 4; plus strand). Cytogenetic location: 19q13.33.
Variant type: single nucleotide variant.
Coding change: c.3587C>T on transcript NM_017636.4 (MANE Select); coding-DNA position 3587, C replaced by T.
Protein change: p.Ser1196Phe; replaces serine 1196 with phenylalanine.
Molecular consequence: missense variant.
Genome position (GRCh38, 1-based): chr19:49,211,216, C>T. VCF-style: chr19-49211216-C-T. GRCh37 (hg19) VCF-style: chr19-49714473-C-T.
Other names: c.3152C>T, p.Ser1051Phe (NM_001195227.2); c.3242C>T, p.Ser1081Phe (NM_001321281.2); c.1979C>T, p.Ser660Phe (NM_001321282.2); c.3065C>T, p.Ser1022Phe (NM_001321283.2); c.2525C>T, p.Ser842Phe (NM_001321285.2); short protein forms S1022F, S1051F, S842F, S1081F, S1196F, S660F.
Identifiers: ClinVar variation 4706962 (VCV004706962.1).